The following is an entry in ClinVar:

ClinVar aggregate classification (germline): Uncertain significance. Review status: criteria provided, multiple submitters, no conflicts (2 of 4 stars). 2 submissions from 2 submitters: Uncertain significance (2). Last evaluated 2022-08-23.

Conditions:
Hereditary sensory and autonomic neuropathy with spastic paraplegia (HSNSP). Identifiers: Orphanet 139578, MedGen C1850395, MONDO:0009748, OMIM 256840.

Allele frequency attached by ClinVar (database versions not stated): gnomAD 0.00001; gnomAD exomes 0.00001; TOPMed 0.00001; ExAC 0.00002.

Submissions (2):

Labcorp Genetics (formerly Invitae), Labcorp
Classification: Uncertain significance for Hereditary sensory and autonomic neuropathy with spastic paraplegia. Last evaluated: 2022-08-23. Review status: criteria provided, single submitter. Criteria: Invitae Variant Classification Sherloc (09022015). Collection method: clinical testing. Allele origin: germline.
Comment: This variant is present in population databases (rs762423535, gnomAD 0.006%). This sequence change replaces arginine, which is basic and polar, with lysine, which is basic and polar, at codon 449 of the CCT5 protein (p.Arg449Lys). In summary, the available evidence is currently insufficient to determine the role of this variant in disease. Therefore, it has been classified as a Variant of Uncertain Significance. Algorithms developed to predict the effect of missense changes on protein structure and function are either unavailable or do not agree on the potential impact of this missense change (SIFT: "Deleterious"; PolyPhen-2: "Benign"; Align-GVGD: "Class C25"). ClinVar contains an entry for this variant (Variation ID: 350258). This variant has not been reported in the literature in individuals affected with CCT5-related conditions.

Illumina Laboratory Services, Illumina
Classification: Uncertain significance for Hereditary sensory and autonomic neuropathy with spastic paraplegia. Last evaluated: 2018-01-12. Review status: criteria provided, single submitter. Criteria: ICSL Variant Classification Criteria 13 December 2019. Collection method: clinical testing. Allele origin: germline.

NM_012073.5(CCT5):c.1346G>A (p.Arg449Lys)

Gene: CCT5 (chaperonin containing TCP1 subunit 5; plus strand). Cytogenetic location: 5p15.2.
Variant type: single nucleotide variant.
Coding change: c.1346G>A on transcript NM_012073.5 (MANE Select); coding-DNA position 1346, G replaced by A.
Protein change: p.Arg449Lys; replaces arginine 449 with lysine.
Molecular consequence: missense variant.
Genome position (GRCh38, 1-based): chr5:10,263,162, G>A. VCF-style: chr5-10263162-G-A. GRCh37 (hg19) VCF-style: chr5-10263274-G-A.
Other names: c.1283G>A, p.Arg428Lys (NM_001306153.1); c.1181G>A, p.Arg394Lys (NM_001306154.2); c.1067G>A, p.Arg356Lys (NM_001306155.2); c.1232G>A, p.Arg411Lys (NM_001306156.2); short protein forms R449K, R394K, R356K, R411K, R428K.
Identifiers: ClinVar variation 350258 (VCV000350258.14), dbSNP rs762423535, ClinGen allele CA3198349.
Genomic context (GRCh38, chr5:10,263,162, plus strand): 5'-AGTGCACTCACCATACTTCTGTACCTTTCCAGTGCCCCACCTTAGAACAGTATGCCATGA[G>A]AGCGTTTGCCGACGCACTGGAGGTCATCCCCATGGCCCTCTCTGAAAACAGTGGCATGAA-3'
Protein context (NP_036205.1, residues 439-459): KCPTLEQYAM[Arg449Lys]AFADALEVIP